The following is an entry in ClinVar:

NM_001253852.3(AP4B1):c.159G>A (p.Met53Ile)

Gene: AP4B1 (adaptor related protein complex 4 subunit beta 1; minus strand). Cytogenetic location: 1p13.2.
Variant type: single nucleotide variant.
Coding change: c.159G>A on transcript NM_001253852.3 (MANE Select); coding-DNA position 159, G replaced by A.
Protein change: p.Met53Ile; replaces methionine 53 with isoleucine.
Molecular consequence: missense variant. On other transcripts: intron variant (2).
Genome position (GRCh38, 1-based): chr1:113,902,817, C>T on the plus strand (G>A on the coding strand, the complement: AP4B1 is on the minus strand). VCF-style: chr1-113902817-C-T. GRCh37 (hg19) VCF-style: chr1-114445439-C-T.
Other names: c.159G>A, p.Met53Ile (NM_006594.5); c.-56-83G>A (NM_001253853.3); c.113+1788G>A (NM_001308312.2); c.159G>A (NM_006594.2); short protein forms M53I.
Identifiers: ClinVar variation 659688 (VCV000659688.12), dbSNP rs778624334, ClinGen allele CA1016172.
Genomic context (GRCh38, chr1:113,902,817, plus strand): 5'-GCACATGTACAGATAAACCAACTTCTTCTGGACAATATCTACAGTGGCACTGGCCTTCAC[C>T]ATTTCCATAAAAACACCAGACATGTCCAAGCCTTGAGTCATGTACCTGAACAACGCACAT-3'
Protein context (NP_001240781.1, residues 43-63): GLDMSGVFME[Met53Ile]VKASATVDIV

ClinVar aggregate classification (germline): Uncertain significance. Review status: criteria provided, multiple submitters, no conflicts (2 of 4 stars). 3 submissions from 3 submitters: Uncertain significance (3). Last evaluated 2025-08-01.

Conditions:
Inborn genetic diseases. Identifiers: MedGen C0950123, MeSH D030342.
Hereditary spastic paraplegia 47. Also called: adaptor protein 4 (AP-4) deficiency syndrome; CEREBRAL PALSY, SPASTIC QUADRIPLEGIC, 5; Spastic paraplegia 47, autosomal recessive. Identifiers: Orphanet 280763, MedGen C3279738, MONDO:0013551, OMIM 614066.

Allele frequency attached by ClinVar (database versions not stated): TOPMed below 0.00001; ExAC 0.00002; gnomAD exomes 0.00002.

Submissions (3):

Ambry Genetics
Classification: Uncertain significance for Inborn genetic diseases. Last evaluated: 2025-08-01. Review status: criteria provided, single submitter. Criteria: Ambry Variant Classification Scheme 2023. Collection method: clinical testing. Allele origin: germline.

Blueprint Genetics
Classification: Uncertain significance. Last evaluated: 2024-09-19. Review status: criteria provided, single submitter. Criteria: ACMG Guidelines, 2015. Collection method: clinical testing. Allele origin: germline.

Labcorp Genetics (formerly Invitae), Labcorp
Classification: Uncertain significance for Hereditary spastic paraplegia 47. Last evaluated: 2022-10-24. Review status: criteria provided, single submitter. Criteria: Invitae Variant Classification Sherloc (09022015). Collection method: clinical testing. Allele origin: germline.
Comment: In summary, the available evidence is currently insufficient to determine the role of this variant in disease. Therefore, it has been classified as a Variant of Uncertain Significance. Advanced modeling of protein sequence and biophysical properties (such as structural, functional, and spatial information, amino acid conservation, physicochemical variation, residue mobility, and thermodynamic stability) performed at Invitae indicates that this missense variant is not expected to disrupt AP4B1 protein function. ClinVar contains an entry for this variant (Variation ID: 659688). This variant has not been reported in the literature in individuals affected with AP4B1-related conditions. This variant is present in population databases (rs778624334, gnomAD 0.004%). This sequence change replaces methionine, which is neutral and non-polar, with isoleucine, which is neutral and non-polar, at codon 53 of the AP4B1 protein (p.Met53Ile).